The following is an entry in ClinVar:

NM_000059.4(BRCA2):c.6698C>T (p.Ala2233Val)

Gene: BRCA2 (BRCA2 DNA repair associated; plus strand). Cytogenetic location: 13q13.1.
Variant type: single nucleotide variant.
Coding change: c.6698C>T on transcript NM_000059.4 (MANE Select); coding-DNA position 6698, C replaced by T.
Protein change: p.Ala2233Val; replaces alanine 2233 with valine.
Molecular consequence: missense variant.
Genome position (GRCh38, 1-based): chr13:32,341,053, C>T. VCF-style: chr13-32341053-C-T. GRCh37 (hg19) VCF-style: chr13-32915190-C-T.
Other names: short protein forms A2233V.
Identifiers: ClinVar variation 409574 (VCV000409574.10), dbSNP rs41293501, ClinGen allele CA16613915.

ClinVar aggregate classification (germline): Likely benign. Review status: criteria provided, multiple submitters, no conflicts (2 of 4 stars). 2 submissions from 2 submitters: Likely benign (2). Last evaluated 2024-08-22.

Conditions:
Hereditary breast ovarian cancer syndrome. Also called: Hereditary breast and ovarian cancer; Hereditary breast and/or ovarian cancer syndrome; BRCA1- and BRCA2-Associated Hereditary Breast and Ovarian Cancer; Hereditary breast and ovarian cancer syndrome; Hereditary breast and ovarian cancer syndrome (HBOC); Breast and ovarian cancer. Identifiers: Orphanet 145, MedGen C0677776, MeSH D061325, MONDO:0003582. Disease mechanism: loss of function.
Hereditary cancer-predisposing syndrome. Also called: Tumor predisposition; Hereditary Cancer Syndrome; Hereditary neoplastic syndrome; Neoplastic Syndromes, Hereditary. Identifiers: Orphanet 140162, MedGen C0027672, MeSH D009386, MONDO:0015356.

Submissions (2):

Labcorp Genetics (formerly Invitae), Labcorp
Classification: Likely benign for Hereditary breast ovarian cancer syndrome. Last evaluated: 2024-08-22. Review status: criteria provided, single submitter. Criteria: Invitae Variant Classification Sherloc (09022015). Collection method: clinical testing. Allele origin: germline.

University of Washington Department of Laboratory Medicine, University of Washington
Classification: Likely benign for Hereditary cancer-predisposing syndrome. Last evaluated: 2023-03-23. Review status: criteria provided, single submitter. Criteria: Dines et al. (Genet Med. 2020). Collection method: curation. Allele origin: germline.
Comment: Missense variant in a coldspot region where missense variants are very unlikely to be pathogenic (PMID:31911673).

BRCA2 exon 11 coldspot. Reclassification based on statistical prior probability.